The following is an entry in ClinVar:

NM_144997.7(FLCN):c.752G>A (p.Trp251Ter)

Gene: FLCN (folliculin; minus strand). Cytogenetic location: 17p11.2.
Variant type: single nucleotide variant.
Coding change: c.752G>A on transcript NM_144997.7 (MANE Select); coding-DNA position 752, G replaced by A.
Protein change: p.Trp251Ter; replaces tryptophan 251 with a stop codon.
Molecular consequence: nonsense.
Genome position (GRCh38, 1-based): chr17:17,222,528, C>T on the plus strand (G>A on the coding strand, the complement: FLCN is on the minus strand). VCF-style: chr17-17222528-C-T. GRCh37 (hg19) VCF-style: chr17-17125842-C-T.
Other names: c.752G>A (LRG_325t1); c.806G>A, p.Trp269Ter (NM_001353229.2); c.752G>A, p.Trp251Ter (NM_001353230.2, NM_001353231.2, NM_144606.7); short protein forms W251*, W269*.
Identifiers: ClinVar variation 253235 (VCV000253235.5), dbSNP rs879255663, ClinGen allele CA10586268.
Genomic context (GRCh38, chr17:17,222,528, plus strand): 5'-AACAGATATGCCAAAAGCAGAGACGCCCGTTACCAGGCAAAGGAGGTGTGCAGGCACGCC[C>T]ACAGGTTGTCATCACTTGTCAGCGATGTCAGCGAGCGGGCGGCGTTGCCGTTCCTCTGGT-3'

ClinVar aggregate classification (germline): Pathogenic/Likely pathogenic. Review status: criteria provided, multiple submitters, no conflicts (2 of 4 stars). 3 submissions from 3 submitters: Pathogenic (2); Likely pathogenic (1). Last evaluated 2023-04-11.

Conditions:
FLCN-related disorders.
Hereditary cancer-predisposing syndrome. Also called: Hereditary Cancer Syndrome; Tumor predisposition; Hereditary neoplastic syndrome; Neoplastic Syndromes, Hereditary. Identifiers: Orphanet 140162, MedGen C0027672, MeSH D009386, MONDO:0015356.
Birt-Hogg-Dube syndrome. Also called: Birt Hogg Dubé syndrome. Identifiers: Orphanet 122, MedGen C0346010, MONDO:0800444.

Submissions (3):

Ambry Genetics
Classification: Pathogenic for Hereditary cancer-predisposing syndrome. Last evaluated: 2023-04-11. Review status: criteria provided, single submitter. Criteria: Ambry Variant Classification Scheme 2023. Collection method: clinical testing. Allele origin: germline.
Comment: The p.W251* pathogenic mutation (also known as c.752G>A), located in coding exon 4 of the FLCN gene, results from a G to A substitution at nucleotide position 752. This changes the amino acid from a tryptophan to a stop codon within coding exon 4. This variant is considered to be rare based on population cohorts in the Genome Aggregation Database (gnomAD). This alteration is expected to result in loss of function by premature protein truncation or nonsense-mediated mRNA decay. As such, this alteration is interpreted as a disease-causing mutation.

Blueprint Genetics
Classification: Likely pathogenic for FLCN-related disorders. Last evaluated: 2023-03-28. Review status: criteria provided, single submitter. Criteria: ACMG Guidelines, 2015. Collection method: clinical testing. Allele origin: germline. Affected: yes. Observed: 1 variant allele.

Genomic Diagnostic Laboratory, Division of Genomic Diagnostics, Children's Hospital of Philadelphia
Classification: Pathogenic for Birt-Hogg-Dube Syndrome. Last evaluated: 2016-07-18. Review status: criteria provided, single submitter. Criteria: DGD Variant Analysis Guidelines. Collection method: clinical testing. Allele origin: germline. Affected: yes. Observed: 1 variant allele.
Comment: Clinical Testing